The following is an entry in ClinVar:

GRCh37/hg19 13q21.1-31.2(chr13:59574760-89410027)x1

Genes: ACOD1 (aconitate decarboxylase 1; plus strand), ATXN8OS (ATXN8 opposite strand lncRNA; plus strand), BORA (BORA aurora kinase A activator; plus strand), CLN5 (CLN5 intracellular trafficking protein; plus strand), COMMD6 (COMM domain containing 6; minus strand) and 32 more. Cytogenetic location: 13q21.1-31.2.
Variant type: copy number loss.
Change: copy number 1 (one copy instead of two) of chr13:59,574,760-89,410,027 (29.84 Mb, GRCh37 coordinates, 1-based), cytogenetic band 13q21.1-31.2.
Identifiers: ClinVar variation 1341055 (VCV001341055.1).

ClinVar aggregate classification (germline): Pathogenic (0 of 4 stars; one submission).

Submission:

Quest Diagnostics Nichols Institute San Juan Capistrano
Classification: Pathogenic. Last evaluated: 2021-02-01. Review status: no assertion criteria provided. Collection method: clinical testing. Allele origin: germline.
Comment: The copy number loss of 13q21.1q31.2 involves numerous protein-coding genes and is expected to cause phenotypic and/or developmental abnormalities. Deletions of 13q have been reported in patients with multiple clinical phenotypes, which include a wide phenotypic spectrum varying with respect to the location and size of the deletion region (Quelin, et al. Eur J Med Genet. 2009;52:41-46, PMID: 19022413; Cordova-Fletes et al., Clin Dysmorphol. 2017 Jan;26(1):33-37. PMID: 27750267; Chatmethakul et al., J Pediatr Genet. 2019 Sep;8(3):142-146. PMID: 31406620). The main clinical features are developmental delay, intellectual disability, craniofacial dysmorphism and various congenital defects. Brain malformation, bilateral hearing loss, heterochromia iridis and hypopigmentation are also reported. Deletion of the EDNRB gene may be involved in variable manifestations of Waardenburg syndrome type 4A (OMIM 277580) observed in those patients carrying 13q deletions. Loss of SPRY2 gene has been implicated in lens cell proliferation and differentiation for the congenital cataract phenotype. This large deletion also includes other genes associated with OMIM phenotypes: ATXN8 (OMIM 608768), DIAPH3 (OMIM 609129), ATXN8OS (OMIM 608768), SLITRK1 (OMIM 137580), PIBF1 (OMIM 617767), CLN5 (OMIM 256731), FBXL3 (OMIM 606220), SLITRK6 (OMIM 221200).